The following is an entry in ClinVar:

ClinVar aggregate classification (germline): Uncertain significance (1 of 4 stars; one submission).

Conditions:
Charcot-Marie-Tooth disease type 2. Also called: Charcot-Marie-Tooth type 2. Identifiers: Orphanet 64746, MedGen C0270914, MONDO:0018993.

Submission:

Labcorp Genetics (formerly Invitae), Labcorp
Classification: Uncertain significance for Charcot-Marie-Tooth disease type 2. Last evaluated: 2024-08-27. Review status: criteria provided, single submitter. Criteria: Invitae Variant Classification Sherloc (09022015). Collection method: clinical testing. Allele origin: germline.
Comment: This sequence change creates a premature translational stop signal (p.Gln1079*) in the KIF1B gene. It is expected to result in an absent or disrupted protein product. However, the current clinical and genetic evidence is not sufficient to establish whether loss-of-function variants in KIF1B cause disease. This variant is not present in population databases (gnomAD no frequency). This variant has not been reported in the literature in individuals affected with KIF1B-related conditions. Algorithms developed to predict the effect of sequence changes on RNA splicing suggest that this variant may disrupt the consensus splice site. In summary, the available evidence is currently insufficient to determine the role of this variant in disease. Therefore, it has been classified as a Variant of Uncertain Significance.

NM_001365951.3(KIF1B):c.3373C>T (p.Gln1125Ter)

Gene: KIF1B (kinesin family member 1B; plus strand). Cytogenetic location: 1p36.22.
Variant type: single nucleotide variant.
Coding change: c.3373C>T on transcript NM_001365951.3 (MANE Select); coding-DNA position 3373, C replaced by T.
Protein change: p.Gln1125Ter; replaces glutamine 1125 with a stop codon.
Molecular consequence: nonsense.
Genome position (GRCh38, 1-based): chr1:10,337,484, C>T. VCF-style: chr1-10337484-C-T. GRCh37 (hg19) VCF-style: chr1-10397542-C-T.
Other names: c.3373C>T, p.Gln1125Ter (NM_001365952.1); c.3235C>T, p.Gln1079Ter (NM_015074.3); short protein forms Q1125*, Q1079*.
Identifiers: ClinVar variation 3704056 (VCV003704056.2).